The following is an entry in ClinVar:

ClinVar aggregate classification (germline): Conflicting classifications of pathogenicity. Review status: criteria provided, conflicting classifications (1 of 4 stars). 7 submissions from 7 submitters: Pathogenic (3); Likely pathogenic (1); Uncertain significance (2). 1 of the submissions does not count toward it. Last evaluated 2025-11-17.

Conditions:
Optic atrophy 12. Also called: Optic Atrophy Type 12 (OPA12). Identifiers: MedGen C5436534, MONDO:0033549, OMIM 618977.
AFG3L2-related disorder. Also called: AFG3L2-related condition.
Dystonic disorder. Also called: Dystonia. Identifiers: MedGen C0013421, MONDO:0003441, HP:0001332.
Optic atrophy. Identifiers: MedGen C0029124, MONDO:0003608, HP:0000648.
Abnormal cerebellum morphology. Also called: Abnormality of the cerebellum; Cerebellar abnormalities; Cerebellar abnormality; Cerebellar anomaly; Cerebellar signs. Identifiers: MedGen C1866129, HP:0001317.
Hyperkinetic movements. Also called: Hyperkinesis. Identifiers: MedGen C3887506, HP:0002487.

Submissions (7):

GeneDx
Classification: Pathogenic. Last evaluated: 2025-11-17. Review status: criteria provided, single submitter. Criteria: GeneDx Variant Classification Process June 2021. Collection method: clinical testing. Allele origin: germline. Affected: yes.
Comment: In silico analysis supports that this missense variant has a deleterious effect on protein structure/function; Not observed in large population cohorts (gnomAD); This variant is associated with the following publications: (PMID: 38278202, 39423307, 32219868, 36974169, 36110148, MutyalaS2025[abstract], 38538918, 38012514, 39531603)

Labcorp Genetics (formerly Invitae), Labcorp
Classification: Pathogenic. Last evaluated: 2024-02-11. Review status: criteria provided, single submitter. Criteria: Invitae Variant Classification Sherloc (09022015). Collection method: clinical testing. Allele origin: germline.
Comment: This sequence change replaces threonine, which is neutral and polar, with methionine, which is neutral and non-polar, at codon 355 of the AFG3L2 protein (p.Thr355Met). This variant is not present in population databases (gnomAD no frequency). This missense change has been observed in individuals with clinical features of autosomal dominant AFG3L2-related conditions (PMID: 32219868; Invitae). It has also been observed to segregate with disease in related individuals. ClinVar contains an entry for this variant (Variation ID: 385335). Advanced modeling of protein sequence and biophysical properties (such as structural, functional, and spatial information, amino acid conservation, physicochemical variation, residue mobility, and thermodynamic stability) performed at Invitae indicates that this missense variant is expected to disrupt AFG3L2 protein function with a positive predictive value of 95%. For these reasons, this variant has been classified as Pathogenic.

Blueprint Genetics
Classification: Likely pathogenic for AFG3L2-related disorders. Last evaluated: 2022-08-18. Review status: criteria provided, single submitter. Criteria: ACMG Guidelines, 2015. Collection method: clinical testing. Allele origin: germline. Affected: yes. Observed: 1 variant allele.

CeGaT Center for Human Genetics Tuebingen
Classification: Uncertain significance. Last evaluated: 2019-12-01. Review status: criteria provided, single submitter. Criteria: CeGaT Center For Human Genetics Tuebingen Variant Classification Criteria Version 2. Collection method: clinical testing. Allele origin: germline. Affected: yes. Observed: 2 variant alleles.

Athena Diagnostics
Classification: Uncertain significance. Last evaluated: 2016-11-10. Review status: criteria provided, single submitter. Criteria: Athena Diagnostics Criteria. Collection method: clinical testing. Allele origin: germline.

Juno Genomics, Hangzhou Juno Genomics, Inc
Classification: Pathogenic for Optic atrophy 12. Review status: criteria provided, single submitter. Criteria: ACMG Guidelines, 2015. Collection method: clinical testing. Allele origin: germline. Affected: yes.
Comment: Absent from controls (or at extremely low frequency if recessive) in Genome Aggregation Database, Exome Sequencing Project, 1000 Genomes Project, or Exome Aggregation Consortium.;De novo (both maternity and paternity confirmed) in a patient with the disease and no family history.;Multiple lines of computational evidence support a deleterious effect on the gene or gene product (conservation, evolutionary, splicing impact, etc).;The prevalence of the variant in affected individuals is significantly increased compared to the prevalence in controls.;Co-segregation with disease in multiple affected family members in a gene definitively known to cause the disease.

Neurogenetics, IRCCS Istituto delle Scienze Neurologiche di Bologna
Classification: Pathogenic for Optic atrophy; Abnormal cerebellum morphology; Hyperkinetic movements; Dystonic disorder. Review status: no assertion criteria provided. Collection method: research. Allele origin: germline. Affected: yes. Observed: 3 variant alleles. Not counted in ClinVar's aggregate classification.
Comment: Optic Atrophy 12, OPA12

Literature cited by the submitters: PubMed 32219868 (cited by Labcorp Genetics (formerly Invitae), Labcorp and Neurogenetics, IRCCS Istituto delle Scienze Neurologiche di Bologna).

NM_006796.3(AFG3L2):c.1064C>T (p.Thr355Met)

Gene: AFG3L2 (AFG3 like matrix AAA peptidase subunit 2; minus strand). Cytogenetic location: 18p11.21.
Variant type: single nucleotide variant.
Coding change: c.1064C>T on transcript NM_006796.3 (MANE Select); coding-DNA position 1064, C replaced by T.
Protein change: p.Thr355Met; replaces threonine 355 with methionine.
Molecular consequence: missense variant.
Genome position (GRCh38, 1-based): chr18:12,356,794, G>A on the plus strand (C>T on the coding strand, the complement: AFG3L2 is on the minus strand). VCF-style: chr18-12356794-G-A. GRCh37 (hg19) VCF-style: chr18-12356793-G-A.
Other names: short protein forms T355M.
Identifiers: ClinVar variation 385335 (VCV000385335.54), dbSNP rs1057522195, ClinGen allele CA16607547.